The following is an entry in ClinVar:

NM_007294.4(BRCA1):c.5332+4A>T

Gene: BRCA1 (BRCA1 DNA repair associated; minus strand). Cytogenetic location: 17q21.31.
Variant type: single nucleotide variant.
Coding change: c.5332+4A>T on transcript NM_007294.4 (MANE Select); 4 bases into the intron after coding-DNA position 5332, A replaced by T.
Molecular consequence: intron variant.
Genome position (GRCh38, 1-based): chr17:43,051,059, T>A on the plus strand (A>T on the coding strand, the complement: BRCA1 is on the minus strand). VCF-style: chr17-43051059-T-A. GRCh37 (hg19) VCF-style: chr17-41203076-T-A.
Other names: c.1879+4A>T (NM_001408458.1, NM_001408461.1, NM_001408464.1 and 7 more transcripts); c.4441+4A>T (NM_001407967.1); c.4951+4A>T (NM_001407959.1); c.5065+4A>T (NM_001407931.1, NM_001407932.1, NM_001407928.1 and 4 more transcripts); c.5188+4A>T (NM_001407747.1, NM_001407745.1, NM_001407737.1 and 21 more transcripts); c.4948+4A>T (NM_001407962.1, NM_001407960.1); c.1519+4A>T (NM_001408512.1); c.1642+4A>T (NM_001408510.1); and 74 more.
Identifiers: ClinVar variation 865319 (VCV000865319.3), dbSNP rs80358166, ClinGen allele CA916081023.
Genomic context (GRCh38, chr17:43,051,059, plus strand): 5'-ATAATACTCCACTATGTAAGACAAAGGCTGGTGCTGGAACTCTGGGGTTCTCCCAGGCTC[T>A]TACCTGTGGGCATGTTGGTGAAGGGCCCATAGCAACAGATTTCTAGCCCCCTGAAGATCT-3'

Conditions:
Breast-ovarian cancer, familial, susceptibility to, 1 (BROVCA1). Also called: BRCA1 Hereditary Breast and Ovarian Cancer; OVARIAN CANCER, SUSCEPTIBILITY TO. Identifiers: Orphanet 145, MedGen C2676676, MONDO:0011450, OMIM 604370. Disease mechanism: loss of function.

gnomAD v4.1: 1 of 1,613,814 alleles (0.000062%); highest among the groups gnomAD compares: Non-Finnish European, 0.000085%; no homozygotes.

Submission:

Brotman Baty Institute, University of Washington
No classification provided (evidence only). Condition: Breast-ovarian cancer, familial 1. Review status: no classification provided. Collection method: in vitro. Allele origin: not applicable. Functional consequence: functionally_normal.
ClinVar note: "not provided" was previously submitted as the classification for the variant. However, the classification appeared to be based only on an observation of functional data so it was converted to no classification on 2025-07-30.